The following is an entry in ClinVar:

NM_205861.3(DHDDS):c.722T>G (p.Phe241Cys)

Gene: DHDDS (dehydrodolichyl diphosphate synthase subunit; plus strand). Cytogenetic location: 1p36.11.
Variant type: single nucleotide variant.
Coding change: c.722T>G on transcript NM_205861.3 (MANE Select); coding-DNA position 722, T replaced by G.
Protein change: p.Phe241Cys; replaces phenylalanine 241 with cysteine.
Molecular consequence: missense variant.
Genome position (GRCh38, 1-based): chr1:26,460,101, T>G. VCF-style: chr1-26460101-T-G. GRCh37 (hg19) VCF-style: chr1-26786592-T-G.
Other names: c.620T>G, p.Phe207Cys (NM_001243564.2); c.605T>G, p.Phe202Cys (NM_001243565.2); c.443T>G, p.Phe148Cys (NM_001319959.2); c.722T>G, p.Phe241Cys (NM_024887.4); short protein forms F207C, F241C, F148C, F202C.
Identifiers: ClinVar variation 1363033 (VCV001363033.5), dbSNP rs1038914770, ClinGen allele CA19775240.

ClinVar aggregate classification (germline): Uncertain significance (1 of 4 stars; one submission).

Conditions:
Retinitis pigmentosa 59 (RP59). Identifiers: Orphanet 791, MedGen C3151227, MONDO:0013468, OMIM 613861.

Allele frequency attached by ClinVar (database versions not stated): gnomAD exomes below 0.00001 and 0.00003.
gnomAD v4.1: 38 of 1,614,164 alleles (0.0024%); highest among the groups gnomAD compares: Non-Finnish European, 0.0031%; no homozygotes.

Submission:

Labcorp Genetics (formerly Invitae), Labcorp
Classification: Uncertain significance for Retinitis pigmentosa 59. Last evaluated: 2022-10-03. Review status: criteria provided, single submitter. Criteria: Invitae Variant Classification Sherloc (09022015). Collection method: clinical testing. Allele origin: germline.
Comment: This sequence change replaces phenylalanine, which is neutral and non-polar, with cysteine, which is neutral and slightly polar, at codon 241 of the DHDDS protein (p.Phe241Cys). This variant is present in population databases (no rsID available, gnomAD 0.0009%). This variant has not been reported in the literature in individuals affected with DHDDS-related conditions. ClinVar contains an entry for this variant (Variation ID: 1363033). Advanced modeling of protein sequence and biophysical properties (such as structural, functional, and spatial information, amino acid conservation, physicochemical variation, residue mobility, and thermodynamic stability) performed at Invitae indicates that this missense variant is not expected to disrupt DHDDS protein function. In summary, the available evidence is currently insufficient to determine the role of this variant in disease. Therefore, it has been classified as a Variant of Uncertain Significance.